The following is an entry in ClinVar:

NM_004958.4(MTOR):c.2392G>A (p.Val798Ile)

Gene: MTOR (mechanistic target of rapamycin kinase; minus strand). Cytogenetic location: 1p36.22.
Variant type: single nucleotide variant.
Coding change: c.2392G>A on transcript NM_004958.4 (MANE Select); coding-DNA position 2392, G replaced by A.
Protein change: p.Val798Ile; replaces valine 798 with isoleucine.
Molecular consequence: missense variant.
Genome position (GRCh38, 1-based): chr1:11,233,427, C>T on the plus strand (G>A on the coding strand, the complement: MTOR is on the minus strand). VCF-style: chr1-11233427-C-T. GRCh37 (hg19) VCF-style: chr1-11293484-C-T.
Other names: short protein forms V798I.
Identifiers: ClinVar variation 939001 (VCV000939001.9), dbSNP rs1647089671, ClinGen allele CA338384368.

ClinVar aggregate classification (germline): Uncertain significance (1 of 4 stars; one submission).

Submission:

Labcorp Genetics (formerly Invitae), Labcorp
Classification: Uncertain significance. Last evaluated: 2019-06-16. Review status: criteria provided, single submitter. Criteria: Invitae Variant Classification Sherloc (09022015). Collection method: clinical testing. Allele origin: germline.
Comment: This sequence change replaces valine with isoleucine at codon 798 of the MTOR protein (p.Val798Ile). The valine residue is highly conserved and there is a small physicochemical difference between valine and isoleucine. This variant is not present in population databases (ExAC no frequency). This variant has not been reported in the literature in individuals with MTOR-related conditions. In summary, the available evidence is currently insufficient to determine the role of this variant in disease. Therefore, it has been classified as a Variant of Uncertain Significance. Algorithms developed to predict the effect of missense changes on protein structure and function are either unavailable or do not agree on the potential impact of this missense change (SIFT: "Tolerated"; PolyPhen-2: "Probably Damaging"; Align-GVGD: "Class C0").